The following is an entry in ClinVar:

ClinVar aggregate classification (germline): Uncertain significance (1 of 4 stars; one submission).

Conditions:
Hereditary cancer-predisposing syndrome. Also called: Tumor predisposition; Hereditary neoplastic syndrome; Hereditary Cancer Syndrome; Neoplastic Syndromes, Hereditary. Identifiers: Orphanet 140162, MedGen C0027672, MeSH D009386, MONDO:0015356.

gnomAD v4.1: 8 of 1,612,162 alleles (0.0005%); highest among the groups gnomAD compares: Non-Finnish European, 0.00059%; no homozygotes.

Submission:

Ambry Genetics
Classification: Uncertain significance for Hereditary cancer-predisposing syndrome. Last evaluated: 2026-03-17. Review status: criteria provided, single submitter. Criteria: Ambry Variant Classification Scheme 2023. Collection method: clinical testing. Allele origin: germline.
Comment: The p.E2007G variant (also known as c.6020A>G), located in coding exon 40 of the ATM gene, results from an A to G substitution at nucleotide position 6020. The glutamic acid at codon 2007 is replaced by glycine, an amino acid with similar properties. In an assay testing ATM function, this variant showed a functionally abnormal result (Lee KS et al. Cell, 2025 Sep;188:5081-5099.e27). This amino acid position is well conserved in available vertebrate species. In addition, this alteration is predicted to be tolerated by in silico analysis. Based on the available evidence, the clinical significance of this variant remains unclear.

Literature cited by the submitters: PubMed 40580951.

NM_000051.4(ATM):c.6020A>G (p.Glu2007Gly)

Genes: ATM (ATM serine/threonine kinase; plus strand), C11orf65 (chromosome 11 open reading frame 65; minus strand). Cytogenetic location: 11q22.3.
Variant type: single nucleotide variant.
Coding change: c.6020A>G on transcript NM_000051.4 (MANE Select); coding-DNA position 6020, A replaced by G.
Protein change: p.Glu2007Gly; replaces glutamic acid 2007 with glycine.
Molecular consequence: missense variant. On other transcripts: intron variant (2).
Genome position (GRCh38, 1-based): chr11:108,315,836, A>G. VCF-style: chr11-108315836-A-G. GRCh37 (hg19) VCF-style: chr11-108186563-A-G.
Other names: c.6020A>G, p.Glu2007Gly (NM_001351834.2); c.641-6765T>C (NM_001330368.2); c.*39-6765T>C (NM_001351110.2); short protein forms E2007G.
Identifiers: ClinVar variation 4865380 (VCV004865380.1).